The following is an entry in ClinVar:

NM_005529.7(HSPG2):c.9790A>G (p.Ile3264Val)

Gene: HSPG2 (heparan sulfate proteoglycan 2; minus strand). Cytogenetic location: 1p36.12.
Variant type: single nucleotide variant.
Coding change: c.9790A>G on transcript NM_005529.7 (MANE Select); coding-DNA position 9790, A replaced by G.
Protein change: p.Ile3264Val; replaces isoleucine 3264 with valine.
Molecular consequence: missense variant.
Genome position (GRCh38, 1-based): chr1:21,839,470, T>C on the plus strand (A>G on the coding strand, the complement: HSPG2 is on the minus strand). VCF-style: chr1-21839470-T-C. GRCh37 (hg19) VCF-style: chr1-22165963-T-C.
Other names: c.9793A>G, p.Ile3265Val (NM_001291860.2); short protein forms I3264V, I3265V.
Identifiers: ClinVar variation 295751 (VCV000295751.56), dbSNP rs139500146, ClinGen allele CA670330.

ClinVar aggregate classification (germline): Benign/Likely benign. Review status: criteria provided, multiple submitters, no conflicts (2 of 4 stars). 10 submissions from 9 submitters: Benign (9); Likely benign (1). Last evaluated 2026-07-01.

Conditions:
Connective tissue disorder. Also called: Connective tissue disease. Identifiers: MedGen C0009782, MONDO:0003900.
Lethal Kniest-like syndrome (DDSH). Also called: Dyssegmental Dysplasia. Identifiers: Orphanet 1865, MedGen C1857100, MONDO:0009140, OMIM 224410.
Schwartz-Jampel syndrome. Also called: Myotonic myopathy dwarfism chondrodystrophy and ocular and facial abnormalities. Identifiers: Orphanet 800, MedGen C0036391, MONDO:0009717.

Allele frequency attached by ClinVar (database versions not stated): 1000 Genomes Project 30x 0.00562; 1000 Genomes Project 0.00579; TOPMed 0.00824; ESP Exome Variant Server 0.01038; ExAC 0.01077; gnomAD 0.01081 and 0.01121; gnomAD exomes 0.01117 and 0.01241.
gnomAD v4.1: 19,738 of 1,614,040 alleles (1.2%); highest among the groups gnomAD compares: Non-Finnish European, 1.3%; 167 homozygotes.

Submissions (10):

CeGaT Center for Human Genetics Tuebingen
Classification: Benign. Last evaluated: 2026-07-01. Review status: criteria provided, single submitter. Criteria: CeGaT Center For Human Genetics Tuebingen Variant Classification Criteria Version 2. Collection method: clinical testing. Allele origin: germline. Affected: yes. Observed: 25 variant alleles.
Comment: HSPG2: BP4, BS1, BS2

Labcorp Genetics (formerly Invitae), Labcorp
Classification: Benign. Last evaluated: 2026-01-28. Review status: criteria provided, single submitter. Criteria: Invitae Variant Classification Sherloc (09022015). Collection method: clinical testing. Allele origin: germline.

ARUP Laboratories, Molecular Genetics and Genomics, ARUP Laboratories
Classification: Benign. Last evaluated: 2025-03-17. Review status: criteria provided, single submitter. Criteria: ARUP Molecular Germline Variant Investigation Process 2024. Collection method: clinical testing. Allele origin: germline.

Blueprint Genetics
Classification: Likely benign. Last evaluated: 2024-11-26. Review status: criteria provided, single submitter. Criteria: ACMG Guidelines, 2015. Collection method: clinical testing. Allele origin: germline.

Genome Diagnostics Laboratory, The Hospital for Sick Children
Classification: Benign for Connective tissue disorder. Last evaluated: 2022-04-04. Review status: criteria provided, single submitter. Criteria: ACMG Guidelines, 2015. Collection method: clinical testing. Allele origin: germline.

Athena Diagnostics
Classification: Benign. Last evaluated: 2019-07-15. Review status: criteria provided, single submitter. Criteria: Athena Diagnostics Criteria. Collection method: clinical testing. Allele origin: germline.

GeneDx
Classification: Benign. Last evaluated: 2018-12-14. Review status: criteria provided, single submitter. Criteria: GeneDx Variant Classification Process June 2021. Collection method: clinical testing. Allele origin: germline. Affected: yes.

Illumina Laboratory Services, Illumina
Classification: Benign for Schwartz-Jampel syndrome type 1. Last evaluated: 2018-01-13. Review status: criteria provided, single submitter. Criteria: ICSL Variant Classification Criteria 13 December 2019. Collection method: clinical testing. Allele origin: germline.
Comment: This variant was observed in the ICSL laboratory as part of a predisposition screen in an ostensibly healthy population. It had not been previously curated by ICSL or reported in the Human Gene Mutation Database (HGMD: prior to June 1st, 2018), and was therefore a candidate for classification through an automated scoring system. Utilizing variant allele frequency, disease prevalence and penetrance estimates, and inheritance mode, an automated score was calculated to assess if this variant is too frequent to cause the disease. Based on the score and internal cut-off values, a variant classified as benign is not then subjected to further curation. The score for this variant resulted in a classification of benign for this disease.

Illumina Laboratory Services, Illumina
Classification: Benign for Lethal Kniest-like syndrome. Last evaluated: 2018-01-13. Review status: criteria provided, single submitter. Criteria: ICSL Variant Classification Criteria 13 December 2019. Collection method: clinical testing. Allele origin: germline.
Comment: the same text as in the submission from Illumina Laboratory Services, Illumina above.

Breakthrough Genomics
Classification: Benign. Review status: criteria provided, single submitter. Criteria: ACMG Guidelines, 2015. Collection method: not provided. Allele origin: germline. Inheritance: Autosomal recessive inheritance. Affected: yes.

Literature cited by the submitters: PubMed 25803036 (cited by Athena Diagnostics).